The following is an entry in ClinVar:

ClinVar aggregate classification (germline): Likely benign (1 of 4 stars; one submission).

Allele frequency attached by ClinVar (database versions not stated): TOPMed 0.00003; gnomAD 0.00004; gnomAD exomes 0.00004; 1000 Genomes Project 0.00026; 1000 Genomes Project 30x 0.00062.
gnomAD v4.1: 16 of 442,467 alleles (0.0036%); highest among the groups gnomAD compares: Non-Finnish European, 0.0056%; no homozygotes.

Submission:

CeGaT Center for Human Genetics Tuebingen
Classification: Likely benign. Last evaluated: 2022-11-01. Review status: criteria provided, single submitter. Criteria: CeGaT Center For Human Genetics Tuebingen Variant Classification Criteria Version 2. Collection method: clinical testing. Allele origin: germline. Affected: yes. Observed: 1 variant allele.
Comment: UBA1: BS2

NM_003334.4(UBA1):c.1939-283G>C

Gene: UBA1 (ubiquitin like modifier activating enzyme 1; plus strand). Cytogenetic location: Xp11.3.
Variant type: single nucleotide variant.
Coding change: c.1939-283G>C on transcript NM_003334.4 (MANE Select); 283 bases into the intron before coding-DNA position 1939, G replaced by C.
Molecular consequence: intron variant.
Genome position (GRCh38, 1-based): chrX:47,209,340, G>C. VCF-style: chrX-47209340-G-C. GRCh37 (hg19) VCF-style: chrX-47068739-G-C.
Other names: c.1939-283G>C (NM_153280.3).
Identifiers: ClinVar variation 2660405 (VCV002660405.24), dbSNP rs782550044, ClinGen allele CA329038908.
Genomic context (GRCh38, chrX:47,209,340, plus strand): 5'-AGTAGCTGGGATTACAGGCATCTGCCACCACGCCCAGCTACTTTTTGTATTTTTAGTAGA[G>C]ATGGGGTTTCACCATGTTGGTCAGGCTGGTCTCGAACCCTTGACCTCAGGTGATCCATCT-3'